The following is an entry in ClinVar:

ClinVar aggregate classification (germline): Uncertain significance (1 of 4 stars; one submission).

Conditions:
Paroxysmal nonkinesigenic dyskinesia. Also called: Paroxysmal non-kinesigenic dyskinesia. Identifiers: Orphanet 98810, MedGen C1869117, MONDO:0700088.

gnomAD v4.1: 1 of 1,613,544 alleles (0.000062%); highest among the groups gnomAD compares: Non-Finnish European, 0.000085%; no homozygotes.

Submission:

Labcorp Genetics (formerly Invitae), Labcorp
Classification: Uncertain significance for Paroxysmal nonkinesigenic dyskinesia. Last evaluated: 2022-03-19. Review status: criteria provided, single submitter. Criteria: Invitae Variant Classification Sherloc (09022015). Collection method: clinical testing. Allele origin: germline.
Comment: This variant has not been reported in the literature in individuals affected with PNKD-related conditions. In summary, the available evidence is currently insufficient to determine the role of this variant in disease. Therefore, it has been classified as a Variant of Uncertain Significance. Algorithms developed to predict the effect of sequence changes on RNA splicing suggest that this variant may create or strengthen a splice site. Algorithms developed to predict the effect of missense changes on protein structure and function (SIFT, PolyPhen-2, Align-GVGD) all suggest that this variant is likely to be tolerated. ClinVar contains an entry for this variant (Variation ID: 851808). The frequency data for this variant in the population databases is considered unreliable, as metrics indicate poor data quality at this position in the gnomAD database. This sequence change replaces glycine, which is neutral and non-polar, with glutamic acid, which is acidic and polar, at codon 280 of the PNKD protein (p.Gly280Glu).

NM_015488.5(PNKD):c.839G>A (p.Gly280Glu)

Genes: CATIP-AS2 (CATIP antisense RNA 2; minus strand), PNKD (PNKD metallo-beta-lactamase domain containing; plus strand). Cytogenetic location: 2q35.
Variant type: single nucleotide variant.
Coding change: c.839G>A on transcript NM_015488.5 (MANE Select); coding-DNA position 839, G replaced by A.
Protein change: p.Gly280Glu; replaces glycine 280 with glutamic acid.
Molecular consequence: missense variant.
Genome position (GRCh38, 1-based): chr2:218,343,557, G>A. VCF-style: chr2-218343557-G-A. GRCh37 (hg19) VCF-style: chr2-219208280-G-A.
Other names: c.767G>A, p.Gly256Glu (NM_022572.5); short protein forms G256E, G280E.
Identifiers: ClinVar variation 851808 (VCV000851808.11), dbSNP rs766132328, ClinGen allele CA2104120.
Genomic context (GRCh38, chr2:218,343,557, plus strand): 5'-CAGGGCGGACCTTTGAGGGCAATGCAGAGACCATGCTGAGCTCACTGGACACTGTGCTGG[G>A]GCTAGGGGATGACACCCTTCTGTGGCCTGGTGAGACACCCCCTTACTACTCCCCATCCTC-3'
Protein context (NP_056303.3, residues 270-290): TMLSSLDTVL[Gly280Glu]LGDDTLLWPG